The following is an entry in ClinVar:

NM_001353345.2(SETD1B):c.4005_4010delinsAT (p.Ser1335fs)

Gene: SETD1B (SET domain containing 1B, histone lysine methyltransferase; plus strand). Cytogenetic location: 12q24.31.
Variant type: Indel.
Coding change: c.4005_4010delinsAT on transcript NM_001353345.2 (MANE Select); coding-DNA positions 4005 to 4010, CCCACC replaced by AT.
Protein change: p.Ser1335fs; shifts the reading frame from serine 1335.
Molecular consequence: frameshift variant.
Genome position (GRCh38, 1-based): chr12:121,822,584-121,822,589, CCCACC replaced by AT. VCF-style: chr12-121822584-CCCACC-AT. GRCh37 (hg19) VCF-style: chr12-122260490-CCCACC-AT.
Other names: NM_015048.1:c.3876_3881delCCCACCinsAT; short protein forms S1335fs.
Identifiers: ClinVar variation 3317717 (VCV003317717.1).

ClinVar aggregate classification (germline): Pathogenic (1 of 4 stars; one submission).

Conditions:
Inborn genetic diseases. Identifiers: MedGen C0950123, MeSH D030342.

Submission:

Ambry Genetics
Classification: Pathogenic for Inborn genetic diseases. Last evaluated: 2024-05-17. Review status: criteria provided, single submitter. Criteria: Ambry Variant Classification Scheme 2023. Collection method: clinical testing. Allele origin: germline.
Comment: The c.3876_3881delCCCACCinsAT (p.S1292Rfs*63) alteration, located in exon 12 (coding exon 12) of the SETD1B gene, consists of a deletion of 6 and insertion of 2 nucleotides causing a translational frameshift at position 3876 with a predicted alternate stop codon after 63 amino acids. This alteration is expected to result in loss of function by premature protein truncation or nonsense-mediated mRNA decay. This variant was not reported in population-based cohorts in the Genome Aggregation Database (gnomAD). Based on the available evidence, this alteration is classified as pathogenic.